The following is an entry in ClinVar:

ClinVar aggregate classification (germline): Pathogenic (1 of 4 stars; one submission).

Conditions:
Early-infantile DEE. Also called: Ohtahara syndrome; Early infantile epileptic encephalopathy; Early infantile epileptic encephalopathy with suppression bursts. Identifiers: Orphanet 1934, MedGen C0393706, MONDO:0800491.

Submission:

Labcorp Genetics (formerly Invitae), Labcorp
Classification: Pathogenic for Early-infantile DEE. Last evaluated: 2024-10-24. Review status: criteria provided, single submitter. Criteria: Invitae Variant Classification Sherloc (09022015). Collection method: clinical testing. Allele origin: germline.
Comment: This sequence change creates a premature translational stop signal (p.Arg580Profs*8) in the SCN1A gene. It is expected to result in an absent or disrupted protein product. Loss-of-function variants in SCN1A are known to be pathogenic (PMID: 17347258, 18930999). This variant is not present in population databases (gnomAD no frequency). This variant has not been reported in the literature in individuals affected with SCN1A-related conditions. ClinVar contains an entry for this variant (Variation ID: 568242). For these reasons, this variant has been classified as Pathogenic.

Literature cited by the submitters: PubMed 17347258; PubMed 18930999.

NM_001165963.4(SCN1A):c.1738dup (p.Arg580fs)

Gene: SCN1A (sodium voltage-gated channel alpha subunit 1; minus strand). Cytogenetic location: 2q24.3.
Variant type: Duplication.
Coding change: c.1738dup on transcript NM_001165963.4 (MANE Select); coding-DNA position 1738, one base duplicated (C; older notation c.1738dupC).
Protein change: p.Arg580fs; shifts the reading frame from arginine 580.
Molecular consequence: frameshift variant. On other transcripts: 5 prime UTR variant (1), non-coding transcript variant (1).
Genome position (GRCh38, 1-based): chr2:166,043,974, G duplicated on the plus strand (C on the coding strand, the reverse complement: SCN1A is on the minus strand). VCF-style (leftmost placement, unchanged base first): chr2-166043973-C-CG. GRCh37 (hg19) VCF-style: chr2-166900483-C-CG.
Other names: c.1738dup, p.Arg580fs (NM_001165964.3, NM_001202435.3, NM_001353948.2 and 7 more transcripts); c.1735dup, p.Arg579fs (NM_001353954.2, NM_001353955.2, NM_001353960.2); c.-688dup (NM_001353961.2); short protein forms R579fs, R580fs.
Identifiers: ClinVar variation 568242 (VCV000568242.7), dbSNP rs1559217391, ClinGen allele CA891842514.
Genomic context (GRCh38, chr2:166,043,973, plus strand): 5'-TCCTCAAAGGTGCTGTGCTCATCATCTGCGAAGTCGTTCTCAGATCCCACATCCTTTGCT[C>CG]GCCCTCTAAAGCTGAAAAGGCTTGTTCTGCTATTTCGCCTTGGTGAAAATAGGGAGCCAC-3'